The following is an entry in ClinVar:

ClinVar aggregate classification (germline): Likely pathogenic. Review status: criteria provided, multiple submitters, no conflicts (2 of 4 stars). 3 submissions from 3 submitters: Likely pathogenic (2). 1 of the submissions does not count toward it. Last evaluated 2021-04-12.

Conditions:
Hearing loss, autosomal dominant 37. Also called: DEAFNESS, AUTOSOMAL DOMINANT 37. Identifiers: MedGen C4760307, MONDO:0032802, OMIM 618533.
Hearing impairment. Also called: Impaired Hearing. Identifiers: MedGen C1384666, MONDO:0005365, HP:0000365.

Submissions (3):

Department of Otolaryngology – Head & Neck Surgery, Cochlear Implant Center
Classification: Likely pathogenic for Hearing impairment. Last evaluated: 2021-04-12. Review status: criteria provided, single submitter. Criteria: ClinGen HL ACMG Specifications v1. Collection method: clinical testing. Allele origin: germline. Affected: yes.
Comment: PS2_Supporting, PS3_Supporting, PM2_Moderate, PP1_Supporting, PP3_Supporting

CeGaT Center for Human Genetics Tuebingen
Classification: Likely pathogenic. Last evaluated: 2017-03-01. Review status: criteria provided, single submitter. Criteria: CeGaT Center For Human Genetics Tuebingen Variant Classification Criteria Version 2. Collection method: clinical testing. Allele origin: germline. Affected: yes. Observed: 2 variant alleles.

OMIM
Classification: Pathogenic for DEAFNESS, AUTOSOMAL DOMINANT 37. Last evaluated: 2021-05-24. Review status: no assertion criteria provided. Collection method: literature only. Allele origin: germline. Not counted in ClinVar's aggregate classification.

Literature cited by the submitters: PubMed 33169910 (cited by Department of Otolaryngology – Head & Neck Surgery, Cochlear Implant Center and OMIM).

NM_001854.4(COL11A1):c.652-1G>C

Gene: COL11A1 (collagen type XI alpha 1 chain; minus strand). Cytogenetic location: 1p21.1.
Variant type: single nucleotide variant.
Coding change: c.652-1G>C on transcript NM_001854.4 (MANE Select); the canonical splice acceptor site of the intron before coding-DNA position 652, G replaced by C.
Molecular consequence: splice acceptor variant.
Genome position (GRCh38, 1-based): chr1:103,031,245, C>G on the plus strand (G>C on the coding strand, the complement: COL11A1 is on the minus strand). VCF-style: chr1-103031245-C-G. GRCh37 (hg19) VCF-style: chr1-103496801-C-G.
Other names: IVS4, G-C, -1 (rs1064797115); c.652-1G>C (NM_001190709.2, NM_080629.3, NM_080630.4).
Identifiers: ClinVar variation 424907 (VCV000424907.47), dbSNP rs1064797115, ClinGen allele CA16621570.
Genomic context (GRCh38, chr1:103,031,245, plus strand): 5'-CTCACAGTAGTCATATGCTGCCTTGGGATCACCTGTGATCAAAAACTGCTGAATGTCCCC[C>G]TGGGAAAAAAAAAAAAACAAAAACAAACAGACACAGATTCAGTTAGCATATTAAAGTACA-3'